The following is an entry in ClinVar:

ClinVar aggregate classification (germline): Uncertain significance (1 of 4 stars; one submission).

Conditions:
Joubert syndrome. Also called: JOUBERT-BOLTSHAUSER SYNDROME; Familial aplasia of the vermis. Identifiers: Orphanet 475, MedGen C5979921, MONDO:0018772.
Meckel-Gruber syndrome. Also called: DYSENCEPHALIA SPLANCHNOCYSTICA; GRUBER SYNDROME; Dysencephalia splachnocystica. Identifiers: Orphanet 564, MedGen C0265215, MONDO:0018921.

Allele frequency attached by ClinVar (database versions not stated): gnomAD exomes below 0.00001.
gnomAD v4.1: 9 of 1,600,154 alleles (0.00056%); highest among the groups gnomAD compares: Non-Finnish European, 0.00051%; no homozygotes.

Submission:

Labcorp Genetics (formerly Invitae), Labcorp
Classification: Uncertain significance for Joubert syndrome; Meckel-Gruber syndrome. Last evaluated: 2022-09-06. Review status: criteria provided, single submitter. Criteria: Invitae Variant Classification Sherloc (09022015). Collection method: clinical testing. Allele origin: germline.
Comment: This sequence change replaces tyrosine, which is neutral and polar, with asparagine, which is neutral and polar, at codon 192 of the CC2D2A protein (p.Tyr192Asn). The frequency data for this variant in the population databases is considered unreliable, as metrics indicate poor data quality at this position in the gnomAD database. This variant has not been reported in the literature in individuals affected with CC2D2A-related conditions. Algorithms developed to predict the effect of missense changes on protein structure and function are either unavailable or do not agree on the potential impact of this missense change (SIFT: "Deleterious"; PolyPhen-2: "Probably Damaging"; Align-GVGD: "Class C0"). In summary, the available evidence is currently insufficient to determine the role of this variant in disease. Therefore, it has been classified as a Variant of Uncertain Significance.

NM_001378615.1(CC2D2A):c.574T>A (p.Tyr192Asn)

Genes: CC2D2A (coiled-coil and C2 domain containing 2A; plus strand), FBXL5 (F-box and leucine rich repeat protein 5; minus strand). Cytogenetic location: 4p15.32.
Variant type: single nucleotide variant.
Coding change: c.574T>A on transcript NM_001378615.1 (MANE Select); coding-DNA position 574, T replaced by A.
Protein change: p.Tyr192Asn; replaces tyrosine 192 with asparagine.
Molecular consequence: missense variant.
Genome position (GRCh38, 1-based): chr4:15,511,280, T>A. VCF-style: chr4-15511280-T-A. GRCh37 (hg19) VCF-style: chr4-15512903-T-A.
Other names: c.574T>A, p.Tyr192Asn (NM_001080522.2); c.427T>A, p.Tyr143Asn (NM_001378617.1); short protein forms Y143N, Y192N.
Identifiers: ClinVar variation 2418871 (VCV002418871.40), dbSNP rs1420064778, ClinGen allele CA356408779.